The following is an entry in ClinVar:

NM_007294.4(BRCA1):c.949C>T (p.Gln317Ter)

Gene: BRCA1 (BRCA1 DNA repair associated; minus strand). Cytogenetic location: 17q21.31.
Variant type: single nucleotide variant.
Coding change: c.949C>T on transcript NM_007294.4 (MANE Select); coding-DNA position 949, C replaced by T.
Protein change: p.Gln317Ter; replaces glutamine 317 with a stop codon.
Molecular consequence: nonsense. On other transcripts: intron variant (137).
Genome position (GRCh38, 1-based): chr17:43,094,582, G>A on the plus strand (C>T on the coding strand, the complement: BRCA1 is on the minus strand). VCF-style: chr17-43094582-G-A. GRCh37 (hg19) VCF-style: chr17-41246599-G-A.
Other names: 1068C>T; c.826C>T, p.Gln276Ter (NM_001407666.1, NM_001407667.1, NM_001407678.1 and 19 more transcripts); c.949C>T, p.Gln317Ter (NM_001407684.1, NM_001407854.1, NM_001407858.1 and 30 more transcripts); c.823C>T, p.Gln275Ter (NM_001407685.1, NM_001407686.1, NM_001407940.1 and 11 more transcripts); c.808C>T, p.Gln270Ter (NM_001407698.1, NM_001407724.1, NM_001407725.1 and 29 more transcripts); c.805C>T, p.Gln269Ter (NM_001407742.1, NM_001407743.1, NM_001407744.1 and 20 more transcripts); c.736C>T, p.Gln246Ter (NM_001407853.1, NM_001407894.1, NM_001407895.1 and 9 more transcripts); c.739C>T, p.Gln247Ter (NM_001407884.1, NM_001407885.1, NM_001407886.1 and 13 more transcripts); and 41 more; short protein forms Q317*, Q270*, Q21*, Q228*, Q250*, Q275*, Q205*, Q247*.
Identifiers: ClinVar variation 55762 (VCV000055762.7), dbSNP rs80357211, ClinGen allele CA003980.
Genomic context (GRCh38, chr17:43,094,582, plus strand): 5'-CTGTGCTGGGAGTCCGCCTATCATTACATGTTTCCTTACTTCCAGCCCATCTGTTATGTT[G>A]GCTCCTTGCTAAGCCAGGCTGTTTGCTTTTATTACAGAATTCAGCCTTTTCTACATTCAT-3'

ClinVar aggregate classification (germline): Pathogenic. Review status: reviewed by expert panel (3 of 4 stars). 5 submissions from 5 submitters: Pathogenic (1). 4 of the submissions do not count toward it. Last evaluated 2016-09-08.

Conditions:
Hereditary cancer-predisposing syndrome. Also called: Hereditary Cancer Syndrome; Hereditary neoplastic syndrome; Neoplastic Syndromes, Hereditary; Tumor predisposition. Identifiers: Orphanet 140162, MedGen C0027672, MeSH D009386, MONDO:0015356.
Breast-ovarian cancer, familial, susceptibility to, 1 (BROVCA1). Also called: BRCA1 Hereditary Breast and Ovarian Cancer; OVARIAN CANCER, SUSCEPTIBILITY TO. Identifiers: Orphanet 145, MedGen C2676676, MONDO:0011450, OMIM 604370. Disease mechanism: loss of function.

Submissions (5):

Evidence-based Network for the Interpretation of Germline Mutant Alleles (ENIGMA)
Classification: Pathogenic for Breast-ovarian cancer, familial, susceptibility to, 1. Last evaluated: 2016-09-08. Review status: reviewed by expert panel. Criteria: ENIGMA BRCA1/2 Classification Criteria (2015). Collection method: curation. Allele origin: germline.
Comment: Variant allele predicted to encode a truncated non-functional protein.

Ambry Genetics
Classification: Pathogenic for Hereditary cancer-predisposing syndrome. Last evaluated: 2024-04-29. Review status: criteria provided, single submitter. Criteria: Ambry Variant Classification Scheme 2023. Collection method: clinical testing. Allele origin: germline. Not counted in ClinVar's aggregate classification.
Comment: The p.Q317* pathogenic mutation (also known as c.949C>T), located in coding exon 9 of the BRCA1 gene, results from a C to T substitution at nucleotide position 949. This changes the amino acid from a glutamine to a stop codon within coding exon 9. This variant has been reported in 1/41 Japanese families; it was seen in 1/51 carriers affected with ovarian cancer and in 0/17 carriers unaffected with ovarian cancer (Yoshihara K et al. Genes Chromosomes Cancer, 2011 Mar;50:167-77). This alteration was identified in a large, worldwide study of BRCA1/2 mutation positive families (Rebbeck TR et al. Hum. Mutat., 2018 05;39:593-620). This variant is considered to be rare based on population cohorts in the Genome Aggregation Database (gnomAD). In addition to the clinical data presented in the literature, this alteration is expected to result in loss of function by premature protein truncation or nonsense-mediated mRNA decay. As such, this alteration is interpreted as a disease-causing mutation.

Consortium of Investigators of Modifiers of BRCA1/2 (CIMBA), c/o University of Cambridge
Classification: Pathogenic for Breast-ovarian cancer, familial, susceptibility to, 1. Last evaluated: 2015-10-02. Review status: criteria provided, single submitter. Criteria: CIMBA Mutation Classification guidelines May 2016. Collection method: clinical testing. Allele origin: germline. Not counted in ClinVar's aggregate classification.

Sharing Clinical Reports Project (SCRP)
Classification: Pathogenic for Breast-ovarian cancer, familial 1. Last evaluated: 2012-05-01. Review status: no assertion criteria provided. Collection method: clinical testing. Allele origin: germline. Not counted in ClinVar's aggregate classification.

Breast Cancer Information Core (BIC) (BRCA1)
Classification: Pathogenic for Breast-ovarian cancer, familial 1. Last evaluated: 2002-05-29. Review status: no assertion criteria provided. Collection method: clinical testing. Allele origin: germline. Affected: yes. Observed: 1 variant allele. Not counted in ClinVar's aggregate classification.

Literature cited by the submitters: PubMed 21213370 (cited by Ambry Genetics); PubMed 29446198 (cited by Ambry Genetics).